The following is an entry in ClinVar:

ClinVar aggregate classification (germline): Benign (1 of 4 stars; one submission).

Conditions:
Platelet-type bleeding disorder 9 (BDPLT9). Also called: GLYCOPROTEIN Ia DEFICIENCY; GP Ia DEFICIENCY; COLLAGEN PLATELET RECEPTOR DEFICIENCY. Identifiers: Orphanet 73271, Orphanet 98886, MedGen C3280114, MONDO:0013622, OMIM 614200.

Allele frequency attached by ClinVar (database versions not stated): gnomAD 0.00652 and 0.00694; TOPMed 0.00704; 1000 Genomes Project 0.00739; 1000 Genomes Project 30x 0.00781.

Submission:

Illumina Laboratory Services, Illumina
Classification: Benign for Platelet-type bleeding disorder 9. Last evaluated: 2018-01-12. Review status: criteria provided, single submitter. Criteria: ICSL Variant Classification Criteria 13 December 2019. Collection method: clinical testing. Allele origin: germline.
Comment: This variant was observed in the ICSL laboratory as part of a predisposition screen in an ostensibly healthy population. It had not been previously curated by ICSL or reported in the Human Gene Mutation Database (HGMD: prior to June 1st, 2018), and was therefore a candidate for classification through an automated scoring system. Utilizing variant allele frequency, disease prevalence and penetrance estimates, and inheritance mode, an automated score was calculated to assess if this variant is too frequent to cause the disease. Based on the score and internal cut-off values, a variant classified as benign is not then subjected to further curation. The score for this variant resulted in a classification of benign for this disease.

NM_002203.4(ITGA2):c.*3048G>A

Gene: ITGA2 (integrin subunit alpha 2; plus strand). Cytogenetic location: 5q11.2.
Variant type: single nucleotide variant.
Coding change: c.*3048G>A on transcript NM_002203.4 (MANE Select); 3048 bases downstream of the stop codon, G replaced by A.
Molecular consequence: 3 prime UTR variant. On other transcripts: non-coding transcript variant (5).
Genome position (GRCh38, 1-based): chr5:53,093,647, G>A. VCF-style: chr5-53093647-G-A. GRCh37 (hg19) VCF-style: chr5-52389477-G-A.
Identifiers: ClinVar variation 353843 (VCV000353843.5), dbSNP rs115863238, ClinGen allele CA10624946.